The following is an entry in ClinVar:

ClinVar aggregate classification (germline): Uncertain significance (1 of 4 stars; one submission).

Conditions:
Cardiovascular phenotype. Identifiers: MedGen CN230736.

Allele frequency attached by ClinVar (database versions not stated): gnomAD 0.00001; ExAC 0.00002; TOPMed 0.00002.
gnomAD v4.1: 17 of 1,614,022 alleles (0.0011%); highest among the groups gnomAD compares: African/African-American, 0.0013%; no homozygotes.

Submission:

Ambry Genetics
Classification: Uncertain significance for Cardiovascular phenotype. Last evaluated: 2024-01-14. Review status: criteria provided, single submitter. Criteria: Ambry Variant Classification Scheme 2023. Collection method: clinical testing. Allele origin: germline.
Comment: The p.R3358C variant (also known as c.10072C>T), located in coding exon 41 of the AKAP9 gene, results from a C to T substitution at nucleotide position 10072. The arginine at codon 3358 is replaced by cysteine, an amino acid with highly dissimilar properties. This amino acid position is conserved. In addition, this alteration is predicted to be tolerated by in silico analysis. Since supporting evidence is limited at this time, the clinical significance of this alteration remains unclear.

NM_005751.5(AKAP9):c.10072C>T (p.Arg3358Cys)

Gene: AKAP9 (A-kinase anchoring protein 9; plus strand). Cytogenetic location: 7q21.2.
Variant type: single nucleotide variant.
Coding change: c.10072C>T on transcript NM_005751.5 (MANE Select); coding-DNA position 10072, C replaced by T.
Protein change: p.Arg3358Cys; replaces arginine 3358 with cysteine.
Molecular consequence: missense variant.
Genome position (GRCh38, 1-based): chr7:92,097,031, C>T. VCF-style: chr7-92097031-C-T. GRCh37 (hg19) VCF-style: chr7-91726345-C-T.
Other names: c.4717C>T, p.Arg1573Cys (NM_001379277.1); c.10048C>T, p.Arg3350Cys (NM_147185.3); short protein forms R1573C, R3350C, R3358C.
Identifiers: ClinVar variation 3224995 (VCV003224995.1), dbSNP rs769113364, ClinGen allele CA4337892.